The following is an entry in ClinVar:

NM_004211.5(SLC6A5):c.1760T>G (p.Val587Gly)

Gene: SLC6A5 (solute carrier family 6 member 5; plus strand). Cytogenetic location: 11p15.1.
Variant type: single nucleotide variant.
Coding change: c.1760T>G on transcript NM_004211.5 (MANE Select); coding-DNA position 1760, T replaced by G.
Protein change: p.Val587Gly; replaces valine 587 with glycine.
Molecular consequence: missense variant.
Genome position (GRCh38, 1-based): chr11:20,637,194, T>G. VCF-style: chr11-20637194-T-G. GRCh37 (hg19) VCF-style: chr11-20658740-T-G.
Other names: c.1058T>G, p.Val353Gly (NM_001318369.2); short protein forms V587G, V353G.
Identifiers: ClinVar variation 1417902 (VCV001417902.8), dbSNP rs777246131, ClinGen allele CA5921575.

ClinVar aggregate classification (germline): Uncertain significance (1 of 4 stars; one submission).

Conditions:
Hyperekplexia 3 (HKPX3). Also called: HYPEREKPLEXIA 3, AUTOSOMAL RECESSIVE; HYPEREKPLEXIA 3, AUTOSOMAL DOMINANT. Identifiers: Orphanet 3197, MedGen C3553288, MONDO:0013827, OMIM 614618.

Allele frequency attached by ClinVar (database versions not stated): gnomAD exomes below 0.00001; ExAC 0.00001; gnomAD 0.00001; TOPMed 0.00002.
gnomAD v4.1: 2 of 1,613,542 alleles (0.00012%); highest among the groups gnomAD compares: East Asian, 0.0045%; no homozygotes.

Submission:

Labcorp Genetics (formerly Invitae), Labcorp
Classification: Uncertain significance for Hyperekplexia 3. Last evaluated: 2024-05-15. Review status: criteria provided, single submitter. Criteria: Invitae Variant Classification Sherloc (09022015). Collection method: clinical testing. Allele origin: germline.
Comment: This sequence change replaces valine, which is neutral and non-polar, with glycine, which is neutral and non-polar, at codon 587 of the SLC6A5 protein (p.Val587Gly). This variant is present in population databases (rs777246131, gnomAD 0.01%). This variant has not been reported in the literature in individuals affected with SLC6A5-related conditions. ClinVar contains an entry for this variant (Variation ID: 1417902). Advanced modeling of protein sequence and biophysical properties (such as structural, functional, and spatial information, amino acid conservation, physicochemical variation, residue mobility, and thermodynamic stability) performed at Invitae indicates that this missense variant is not expected to disrupt SLC6A5 protein function with a negative predictive value of 80%. In summary, the available evidence is currently insufficient to determine the role of this variant in disease. Therefore, it has been classified as a Variant of Uncertain Significance.